The following is an entry in ClinVar:

NM_015874.6(RBPJ):c.59+4A>G

Gene: RBPJ (recombination signal binding protein for immunoglobulin kappa J region; plus strand). Cytogenetic location: 4p15.2.
Variant type: single nucleotide variant.
Coding change: c.59+4A>G on transcript NM_015874.6 (MANE Select); 4 bases into the intron after coding-DNA position 59, A replaced by G.
Molecular consequence: intron variant.
Genome position (GRCh38, 1-based): chr4:26,386,395, A>G. VCF-style: chr4-26386395-A-G. GRCh37 (hg19) VCF-style: chr4-26388017-A-G.
Other names: c.56+4A>G (NM_001374401.1, NM_001379407.1, NM_001379406.1 and 3 more transcripts); c.98+4A>G (NM_005349.4, NM_001379408.1, NM_001374400.1); c.-8+4A>G (NM_203283.5, NM_001363577.2); c.53+4A>G (NM_001379409.1).
Identifiers: ClinVar variation 1479501 (VCV001479501.6), dbSNP rs781712332, ClinGen allele CA2881252.

ClinVar aggregate classification (germline): Uncertain significance (1 of 4 stars; one submission).

Allele frequency attached by ClinVar (database versions not stated): gnomAD 0.00001; gnomAD exomes 0.00001; ExAC 0.00002; TOPMed 0.00002.
gnomAD v4.1: 10 of 1,582,908 alleles (0.00063%); highest among the groups gnomAD compares: South Asian, 0.0023%; no homozygotes.

Submission:

Labcorp Genetics (formerly Invitae), Labcorp
Classification: Uncertain significance. Last evaluated: 2022-10-24. Review status: criteria provided, single submitter. Criteria: Invitae Variant Classification Sherloc (09022015). Collection method: clinical testing. Allele origin: germline.
Comment: Variants that disrupt the consensus splice site are a relatively common cause of aberrant splicing (PMID: 17576681, 9536098). Algorithms developed to predict the effect of sequence changes on RNA splicing suggest that this variant is not likely to affect RNA splicing. In summary, the available evidence is currently insufficient to determine the role of this variant in disease. Therefore, it has been classified as a Variant of Uncertain Significance. ClinVar contains an entry for this variant (Variation ID: 1479501). This sequence change falls in intron 3 of the RBPJ gene. It does not directly change the encoded amino acid sequence of the RBPJ protein. It affects a nucleotide within the consensus splice site. The frequency data for this variant in the population databases is considered unreliable, as metrics indicate poor data quality at this position in the gnomAD database. This variant has not been reported in the literature in individuals affected with RBPJ-related conditions.

Literature cited by the submitters: PubMed 17576681; PubMed 9536098.